The following is an entry in ClinVar:

ClinVar aggregate classification (germline): Uncertain significance (1 of 4 stars; one submission).

Conditions:
Neuroblastoma, susceptibility to, 3. Also called: ALK-Related Neuroblastic Tumor Susceptibility. Identifiers: Orphanet 635, MedGen C2751681, MONDO:0013083, OMIM 613014.

Submission:

Labcorp Genetics (formerly Invitae), Labcorp
Classification: Uncertain significance for Neuroblastoma, susceptibility to, 3. Last evaluated: 2024-07-30. Review status: criteria provided, single submitter. Criteria: Invitae Variant Classification Sherloc (09022015). Collection method: clinical testing. Allele origin: germline.
Comment: This sequence change creates a premature translational stop signal (p.Glu42Glyfs*46) in the ALK gene. It is expected to result in an absent or disrupted protein product. However, the current clinical and genetic evidence is not sufficient to establish whether loss-of-function variants in ALK cause disease. This variant is not present in population databases (gnomAD no frequency). This variant has not been reported in the literature in individuals affected with ALK-related conditions. In summary, the available evidence is currently insufficient to determine the role of this variant in disease. Therefore, it has been classified as a Variant of Uncertain Significance.

NM_004304.5(ALK):c.105_124dup (p.Glu42fs)

Gene: ALK (ALK receptor tyrosine kinase; minus strand). Cytogenetic location: 2p23.1.
Variant type: Duplication.
Coding change: c.105_124dup on transcript NM_004304.5 (MANE Select); coding-DNA positions 105 to 124, 20 bases duplicated (GCCGCCGCTGCAGCCCCGGG).
Protein change: p.Glu42fs; shifts the reading frame from glutamic acid 42.
Molecular consequence: frameshift variant.
Genome position (GRCh38, 1-based): chr2:29,920,536-29,920,555, CCCGGGGCTGCAGCGGCGGC duplicated on the plus strand (GCCGCCGCTGCAGCCCCGGG on the coding strand, the reverse complement: ALK is on the minus strand); duplicating any 20 consecutive bases within chr2:29,920,536-29,920,559 gives the same sequence; the c. name uses the placement nearest the transcript's 3' end. VCF-style (leftmost placement, unchanged base first): chr2-29920535-T-TCCCGGGGCTGCAGCGGCGGC. GRCh37 (hg19) VCF-style: chr2-30143401-T-TCCCGGGGCTGCAGCGGCGGC.
Other names: short protein forms E42fs.
Identifiers: ClinVar variation 3617859 (VCV003617859.2).